The following is an entry in ClinVar:

NC_000011.9:g.(31653953_31669288)_(31811873_?)del

Genes: ELP4 (elongator acetyltransferase complex subunit 4; plus strand), PAX6 (paired box 6; minus strand). Cytogenetic location: 11p13.
Variant type: Deletion.
Identifiers: ClinVar variation 3907126 (VCV003907126.1).

ClinVar aggregate classification (germline): Uncertain significance (1 of 4 stars; one submission).

Submission:

Women's Health and Genetics/Laboratory Corporation of America, LabCorp
Classification: Uncertain significance. Last evaluated: 2025-06-13. Review status: criteria provided, single submitter. Criteria: LabCorp Variant Classification Summary - May 2015. Collection method: clinical testing. Allele origin: germline.
Comment: Variant summary: The variant involves the deletion of exons 8-10 in the ELP4 gene. A presumed nomenclature of c.(927+1_928-1)_(*6801_?)del has been designated for the purposes of this classification. The exact breakpoint at the distal 3' end of this variant is unknown, therefore this deletion may extend downstream of the annotated region of the gene. As it encompasses the termination codon, it is predicted to escape nonsense mediated decay (NMD). Current evidence is not sufficient to establish loss of function in this gene as a mechanism for disease. The variant was absent in 21694 control chromosomes. The available data on variant occurrences in the general population are insufficient to allow any conclusion about variant significance. To our knowledge, no occurrence of c.(927+1_928-1)_(*6801_?)del in individuals affected with Aniridia 2 and no experimental evidence demonstrating its impact on protein function have been reported. No submitters have cited clinical-significance assessments for this variant to ClinVar. Based on the evidence outlined above, the variant was classified as uncertain significance.